The following is an entry in ClinVar:

NM_031407.7(HUWE1):c.3239G>A (p.Arg1080His)

Gene: HUWE1 (HECT, UBA and WWE domain containing E3 ubiquitin protein ligase 1; minus strand). Cytogenetic location: Xp11.22.
Variant type: single nucleotide variant.
Coding change: c.3239G>A on transcript NM_031407.7 (MANE Select); coding-DNA position 3239, G replaced by A.
Protein change: p.Arg1080His; replaces arginine 1080 with histidine.
Molecular consequence: missense variant.
Genome position (GRCh38, 1-based): chrX:53,595,328, C>T on the plus strand (G>A on the coding strand, the complement: HUWE1 is on the minus strand). VCF-style: chrX-53595328-C-T. GRCh37 (hg19) VCF-style: chrX-53622288-C-T.
Other names: short protein forms R1080H.
Identifiers: ClinVar variation 374333 (VCV000374333.2), dbSNP rs1057518704, ClinGen allele CA16043712.

ClinVar aggregate classification (germline): Likely pathogenic (0 of 4 stars; one submission).

Conditions:
Intellectual developmental disorder, X-linked, syndromic, Turner type. Also called: Intellectual disability, X-linked syndromic, Turner type; X-linked intellectual disability, Turner type. Identifiers: Orphanet 3056, Orphanet 85328, MedGen C2678046, MONDO:0010407, OMIM 309590.

Submission:

Baylor Genetics
Classification: Likely pathogenic for Intellectual developmental disorder, X-linked, syndromic, Turner type. Last evaluated: 2015-08-24. Review status: no assertion criteria provided. Collection method: clinical testing. Allele origin: de novo. Inheritance: X-linked inheritance. Affected: yes. Observed: 1 variant allele, 1 heterozygote.
Comment: New evidence suggests that haploinsufficiency of MED13L can cause intellectual disability, developmental delay, facial abnormalities, hypotonia, and autism.